The following is an entry in ClinVar:

ClinVar aggregate classification (germline): Uncertain significance (1 of 4 stars; one submission).

Submission:

Labcorp Genetics (formerly Invitae), Labcorp
Classification: Uncertain significance. Last evaluated: 2022-06-20. Review status: criteria provided, single submitter. Criteria: Invitae Variant Classification Sherloc (09022015). Collection method: clinical testing. Allele origin: germline.
Comment: This variant is not present in population databases (gnomAD no frequency). This sequence change replaces serine, which is neutral and polar, with leucine, which is neutral and non-polar, at codon 31 of the GSN protein (p.Ser31Leu). This variant has not been reported in the literature in individuals affected with GSN-related conditions. In summary, the available evidence is currently insufficient to determine the role of this variant in disease. Therefore, it has been classified as a Variant of Uncertain Significance. Algorithms developed to predict the effect of missense changes on protein structure and function output the following: SIFT: "Tolerated"; PolyPhen-2: "Benign"; Align-GVGD: "Class C0". The leucine amino acid residue is found in multiple mammalian species, which suggests that this missense change does not adversely affect protein function.

NM_198252.3(GSN):c.-9-2010C>T

Gene: GSN (gelsolin; plus strand). Cytogenetic location: 9q33.2.
Variant type: single nucleotide variant.
Coding change: c.-9-2010C>T on transcript NM_198252.3 (MANE Select); 2010 bases into the intron before 9 bases upstream of the start codon, C replaced by T.
Molecular consequence: intron variant. On other transcripts: missense variant (1).
Genome position (GRCh38, 1-based): chr9:121,299,953, C>T. VCF-style: chr9-121299953-C-T. GRCh37 (hg19) VCF-style: chr9-124062231-C-T.
Other names: c.92C>T, p.Ser31Leu (NM_000177.5); c.-9-2010C>T (NM_001353054.1, NM_001353053.1, NM_001353060.2 and 5 more transcripts); c.-47-103C>T (NM_001353064.2, NM_001353066.2, NM_001353072.2 and 8 more transcripts); c.-1-2018C>T (NM_001353058.2, NM_001353059.2, NM_001353056.2 and 1 more transcripts); c.-38-112C>T (NM_001353073.2, NM_001353065.2, NM_001353068.2 and 2 more transcripts); c.100-2010C>T (NM_001127663.2); c.-32-118C>T (NM_001353070.2); c.-48-1971C>T (NM_001353055.2); and 3 more; short protein forms S31L.
Identifiers: ClinVar variation 1352540 (VCV001352540.6), dbSNP rs2133143007, ClinGen allele CA374752029.